The following is an entry in ClinVar:

NM_005754.3(G3BP1):c.1020C>A (p.His340Gln)

Gene: G3BP1 (G3BP stress granule assembly factor 1; plus strand). Cytogenetic location: 5q33.1.
Variant type: single nucleotide variant.
Coding change: c.1020C>A on transcript NM_005754.3 (MANE Select); coding-DNA position 1020, C replaced by A.
Protein change: p.His340Gln; replaces histidine 340 with glutamine.
Molecular consequence: missense variant.
Genome position (GRCh38, 1-based): chr5:151,800,282, C>A. VCF-style: chr5-151800282-C-A. GRCh37 (hg19) VCF-style: chr5-151179843-C-A.
Other names: c.1020C>A, p.His340Gln (NM_198395.2); short protein forms H340Q.
Identifiers: ClinVar variation 3899689 (VCV003899689.1).

ClinVar aggregate classification (germline): Uncertain significance (1 of 4 stars; one submission).

Submission:

GeneDx
Classification: Uncertain significance. Last evaluated: 2024-11-15. Review status: criteria provided, single submitter. Criteria: GeneDx Variant Classification Process June 2021. Collection method: clinical testing. Allele origin: germline. Affected: yes.
Comment: Not observed at significant frequency in large population cohorts (gnomAD); In silico analysis supports that this missense variant has a deleterious effect on protein structure/function; Has not been previously published as pathogenic or benign to our knowledge